The following is an entry in ClinVar:

NM_004727.3(SLC24A1):c.803T>C (p.Val268Ala)

Gene: SLC24A1 (solute carrier family 24 member 1; plus strand). Cytogenetic location: 15q22.31.
Variant type: single nucleotide variant.
Coding change: c.803T>C on transcript NM_004727.3 (MANE Select); coding-DNA position 803, T replaced by C.
Protein change: p.Val268Ala; replaces valine 268 with alanine.
Molecular consequence: missense variant.
Genome position (GRCh38, 1-based): chr15:65,624,883, T>C. VCF-style: chr15-65624883-T-C. GRCh37 (hg19) VCF-style: chr15-65917221-T-C.
Other names: c.803T>C, p.Val268Ala (NM_001301031.1, NM_001301032.1, NM_001301033.2); short protein forms V268A.
Identifiers: ClinVar variation 195229 (VCV000195229.35), dbSNP rs202245263, ClinGen allele CA241558.

ClinVar aggregate classification (germline): Conflicting classifications of pathogenicity. Review status: criteria provided, conflicting classifications (1 of 4 stars). 6 submissions from 6 submitters: Uncertain significance (5); Likely benign (1). Last evaluated 2025-10-20.

Conditions:
Inborn genetic diseases. Identifiers: MedGen C0950123, MeSH D030342.
Congenital stationary night blindness 1D. Also called: Night blindness, congenital stationary (complete), 1D, autosomal recessive. Identifiers: Orphanet 215, MedGen C3151193, MONDO:0013450, OMIM 613830.

Allele frequency attached by ClinVar (database versions not stated): gnomAD exomes 0.00071 and 0.00031; ExAC 0.00033; gnomAD 0.00033 and 0.00036; TOPMed 0.00034; ESP Exome Variant Server 0.00058.
gnomAD v4.1: 1,107 of 1,613,884 alleles (0.069%); highest among the groups gnomAD compares: Non-Finnish European, 0.086%; 2 homozygotes.

Submissions (6):

Labcorp Genetics (formerly Invitae), Labcorp
Classification: Uncertain significance. Last evaluated: 2025-10-20. Review status: criteria provided, single submitter. Criteria: Invitae Variant Classification Sherloc (09022015). Collection method: clinical testing. Allele origin: germline.
Comment: This sequence change replaces valine, which is neutral and non-polar, with alanine, which is neutral and non-polar, at codon 268 of the SLC24A1 protein (p.Val268Ala). This variant is present in population databases (rs202245263, gnomAD 0.06%). This missense change has been observed in individual(s) with inherited retinal disease (PMID: 32483926). ClinVar contains an entry for this variant (Variation ID: 195229). An algorithm developed to predict the effect of missense changes on protein structure and function (PolyPhen-2) suggests that this variant is likely to be tolerated. In summary, the available evidence is currently insufficient to determine the role of this variant in disease. Therefore, it has been classified as a Variant of Uncertain Significance.

Blueprint Genetics
Classification: Likely benign. Last evaluated: 2024-11-22. Review status: criteria provided, single submitter. Criteria: ACMG Guidelines, 2015. Collection method: clinical testing. Allele origin: germline.

CeGaT Center for Human Genetics Tuebingen
Classification: Uncertain significance. Last evaluated: 2024-05-01. Review status: criteria provided, single submitter. Criteria: CeGaT Center For Human Genetics Tuebingen Variant Classification Criteria Version 2. Collection method: clinical testing. Allele origin: germline. Affected: yes. Observed: 1 variant allele.
Comment: SLC24A1: PM2:Supporting, BP4

Ambry Genetics
Classification: Uncertain significance for Inborn genetic diseases. Last evaluated: 2021-08-23. Review status: criteria provided, single submitter. Criteria: Ambry Variant Classification Scheme 2023. Collection method: clinical testing. Allele origin: germline.

Illumina Laboratory Services, Illumina
Classification: Uncertain significance for Congenital stationary night blindness 1D. Last evaluated: 2018-01-12. Review status: criteria provided, single submitter. Criteria: ICSL Variant Classification Criteria 13 December 2019. Collection method: clinical testing. Allele origin: germline.

Eurofins Ntd Llc (ga)
Classification: Uncertain significance. Last evaluated: 2015-02-24. Review status: criteria provided, single submitter. Criteria: EGL Classification Definitions 2015. Collection method: clinical testing. Allele origin: germline. Observed: 1 variant allele, 1 heterozygote.

Literature cited by the submitters: PubMed 32483926 (cited by Labcorp Genetics (formerly Invitae), Labcorp).